The following is an entry in ClinVar:

ClinVar aggregate classification (germline): Uncertain significance. Review status: criteria provided, multiple submitters, no conflicts (2 of 4 stars). 2 submissions from 2 submitters: Uncertain significance (2). Last evaluated 2026-07-29.

Conditions:
Hereditary cancer-predisposing syndrome. Also called: Hereditary Cancer Syndrome; Hereditary neoplastic syndrome; Neoplastic Syndromes, Hereditary; Tumor predisposition. Identifiers: Orphanet 140162, MedGen C0027672, MeSH D009386, MONDO:0015356.
BAP1-related tumor predisposition syndrome (TPDS1). Also called: TUMOR PREDISPOSITION SYNDROME 1; COMMON Syndrome; BAP1 tumor predisposition syndrome; Tumor susceptibility linked to germline BAP1 mutations. Identifiers: Orphanet 289539, MedGen C3280492, MONDO:0013692, OMIM 614327.

Submissions (2):

Ambry Genetics
Classification: Uncertain significance for Hereditary cancer-predisposing syndrome. Last evaluated: 2026-07-29. Review status: criteria provided, single submitter. Criteria: Ambry Variant Classification Scheme 2023. Collection method: clinical testing. Allele origin: germline.
Comment: The p.V43I variant (also known as c.127G>A), located in coding exon 4 of the BAP1 gene, results from a G to A substitution at nucleotide position 127. The valine at codon 43 is replaced by isoleucine, an amino acid with highly similar properties. This amino acid position is highly conserved in available vertebrate species. In addition, this alteration is predicted to be tolerated by in silico analysis. Based on the available evidence, the clinical significance of this variant remains unclear.

Labcorp Genetics (formerly Invitae), Labcorp
Classification: Uncertain significance for BAP1-related tumor predisposition syndrome. Last evaluated: 2023-08-08. Review status: criteria provided, single submitter. Criteria: Invitae Variant Classification Sherloc (09022015). Collection method: clinical testing. Allele origin: germline.
Comment: In summary, the available evidence is currently insufficient to determine the role of this variant in disease. Therefore, it has been classified as a Variant of Uncertain Significance. Advanced modeling of protein sequence and biophysical properties (such as structural, functional, and spatial information, amino acid conservation, physicochemical variation, residue mobility, and thermodynamic stability) performed at Invitae indicates that this missense variant is not expected to disrupt BAP1 protein function. This variant has not been reported in the literature in individuals affected with BAP1-related conditions. This variant is not present in population databases (gnomAD no frequency). This sequence change replaces valine, which is neutral and non-polar, with isoleucine, which is neutral and non-polar, at codon 43 of the BAP1 protein (p.Val43Ile).

NM_004656.4(BAP1):c.127G>A (p.Val43Ile)

Gene: BAP1 (BRCA1 associated deubiquitinase 1; minus strand). Cytogenetic location: 3p21.1.
Variant type: single nucleotide variant.
Coding change: c.127G>A on transcript NM_004656.4 (MANE Select); coding-DNA position 127, G replaced by A.
Protein change: p.Val43Ile; replaces valine 43 with isoleucine.
Molecular consequence: missense variant.
Genome position (GRCh38, 1-based): chr3:52,408,602, C>T on the plus strand (G>A on the coding strand, the complement: BAP1 is on the minus strand). VCF-style: chr3-52408602-C-T. GRCh37 (hg19) VCF-style: chr3-52442618-C-T.
Other names: c.127G>A, p.Val43Ile (NM_001410772.1); short protein forms V43I.
Identifiers: ClinVar variation 2795940 (VCV002795940.4), dbSNP rs772586945, ClinGen allele CA353113831.